The following is an entry in ClinVar:

ClinVar aggregate classification (germline): Uncertain significance (1 of 4 stars; one submission).

gnomAD v4.1: 28 of 1,613,898 alleles (0.0017%); highest among the groups gnomAD compares: Non-Finnish European, 0.0023%; no homozygotes.

Submission:

Labcorp Genetics (formerly Invitae), Labcorp
Classification: Uncertain significance. Last evaluated: 2022-07-05. Review status: criteria provided, single submitter. Criteria: Invitae Variant Classification Sherloc (09022015). Collection method: clinical testing. Allele origin: germline.
Comment: In summary, the available evidence is currently insufficient to determine the role of this variant in disease. Therefore, it has been classified as a Variant of Uncertain Significance. This sequence change replaces threonine, which is neutral and polar, with methionine, which is neutral and non-polar, at codon 332 of the DHCR24 protein (p.Thr332Met). This variant is present in population databases (no rsID available, gnomAD 0.0009%). This variant has not been reported in the literature in individuals affected with DHCR24-related conditions. Algorithms developed to predict the effect of missense changes on protein structure and function are either unavailable or do not agree on the potential impact of this missense change (SIFT: "Deleterious"; PolyPhen-2: "Probably Damaging"; Align-GVGD: "Class C15").

NM_014762.4(DHCR24):c.995C>T (p.Thr332Met)

Gene: DHCR24 (24-dehydrocholesterol reductase; minus strand). Cytogenetic location: 1p32.3.
Variant type: single nucleotide variant.
Coding change: c.995C>T on transcript NM_014762.4 (MANE Select); coding-DNA position 995, C replaced by T.
Protein change: p.Thr332Met; replaces threonine 332 with methionine.
Molecular consequence: missense variant.
Genome position (GRCh38, 1-based): chr1:54,865,328, G>A on the plus strand (C>T on the coding strand, the complement: DHCR24 is on the minus strand). VCF-style: chr1-54865328-G-A. GRCh37 (hg19) VCF-style: chr1-55331001-G-A.
Other names: short protein forms T332M.
Identifiers: ClinVar variation 1945877 (VCV001945877.5), dbSNP rs1159296916, ClinGen allele CA340454667.